The following is an entry in ClinVar:

ClinVar aggregate classification (germline): Pathogenic. Review status: no assertion criteria provided (0 of 4 stars). 2 submissions from 2 submitters: Pathogenic (1). 1 of the submissions does not count toward it. Last evaluated 2010-05-11.

Conditions:
Central core myopathy (CMYO1A). Also called: Central core disease; Myopathy, central fibrillar; CONGENITAL MYOPATHY 1A, AUTOSOMAL DOMINANT, WITH SUSCEPTIBILITY TO MALIGNANT HYPERTHERMIA. Identifiers: Orphanet 597, MedGen C5830701, MONDO:0007294, OMIM 117000.

Submissions (2):

GeneReviews
Classification: Pathogenic for Central Core Disease. Last evaluated: 2010-05-11. Review status: no assertion criteria provided. Collection method: curation. Allele origin: unknown.
ClinVar note: Converted during submission from pathologic to Pathogenic.

RYR1 database
No classification provided. Review status: no classification provided. Collection method: not provided. Allele origin: unknown. Not counted in ClinVar's aggregate classification.

NM_000540.3(RYR1):c.12986C>A (p.Ala4329Asp)

Gene: RYR1 (ryanodine receptor 1; plus strand). Cytogenetic location: 19q13.2.
Variant type: single nucleotide variant.
Coding change: c.12986C>A on transcript NM_000540.3 (MANE Select); coding-DNA position 12986, C replaced by A.
Protein change: p.Ala4329Asp; replaces alanine 4329 with aspartic acid.
Molecular consequence: missense variant.
Genome position (GRCh38, 1-based): chr19:38,565,320, C>A. VCF-style: chr19-38565320-C-A. GRCh37 (hg19) VCF-style: chr19-39055960-C-A.
Other names: c.12971C>A, p.Ala4324Asp (NM_001042723.2); short protein forms A4329D, A4324D.
Identifiers: ClinVar variation 65924 (VCV000065924.3), dbSNP rs118192129, ClinGen allele CA024025.
Genomic context (GRCh38, chr19:38,565,320, plus strand): 5'-GCTACCGCAGCCTGCGGCGGCGCGTGCGGCGGCTGCGGCGGCTTACGGCCCGCGAGGCGG[C>A]CACCGCAGTGGCGGCGCTGCTCTGGGCAGCAGTGACGCGCGCTGGGGCCGCTGGCGCGGG-3'
Protein context (NP_000531.2, residues 4319-4339): RLRRLTAREA[Ala4329Asp]TAVAALLWAA